The following is an entry in ClinVar:

ClinVar aggregate classification (germline): Conflicting classifications of pathogenicity. Review status: criteria provided, conflicting classifications (1 of 4 stars). 18 submissions from 18 submitters: Uncertain significance (1); Benign (3); Likely benign (11). 3 of the submissions do not count toward it. Last evaluated 2026-02-04.

Conditions:
Polymerase proofreading-related adenomatous polyposis. Also called: Polymerase proofreading associated polyposis; Polymerase proofreading–associated polyposis (PPAP). Identifiers: Orphanet 447877, MedGen C5202613, MONDO:0018653.
Hereditary cancer-predisposing syndrome. Also called: Tumor predisposition; Hereditary Cancer Syndrome; Neoplastic Syndromes, Hereditary; Hereditary neoplastic syndrome. Identifiers: Orphanet 140162, MedGen C0027672, MeSH D009386, MONDO:0015356.
POLD1-related polyposis and colorectal cancer syndrome (CRCS10). Also called: Colorectal cancer 10; COLORECTAL CANCER, SUSCEPTIBILITY TO, ON CHROMOSOME 19q; Colorectal cancer, susceptibility to, 10. Identifiers: Orphanet 220460, MedGen C2675481, MONDO:0012953, OMIM 612591.

Allele frequency attached by ClinVar (database versions not stated): ExAC 0.00016; ESP Exome Variant Server 0.00049; gnomAD exomes 0.00050 and 0.00115; 1000 Genomes Project 30x 0.00078; 1000 Genomes Project 0.00080; gnomAD 0.00097 and 0.00103; TOPMed 0.00125.
gnomAD v4.1: 1,734 of 1,539,184 alleles (0.11%); highest among the groups gnomAD compares: Admixed American, 0.13%; 1 homozygote.

Submissions (18):

Labcorp Genetics (formerly Invitae), Labcorp
Classification: Benign for POLD1-related polyposis and colorectal cancer syndrome. Last evaluated: 2026-02-04. Review status: criteria provided, single submitter. Criteria: Invitae Variant Classification Sherloc (09022015). Collection method: clinical testing. Allele origin: germline.

CeGaT Center for Human Genetics Tuebingen
Classification: Likely benign. Last evaluated: 2025-09-01. Review status: criteria provided, single submitter. Criteria: CeGaT Center For Human Genetics Tuebingen Variant Classification Criteria Version 2. Collection method: clinical testing. Allele origin: germline. Affected: yes. Observed: 11 variant alleles.
Comment: POLD1: BP4, BP7

Mayo Clinic Laboratories, Mayo Clinic
Classification: Likely benign. Last evaluated: 2025-08-27. Review status: criteria provided, single submitter. Criteria: ACMG Guidelines, 2015. Collection method: clinical testing. Allele origin: germline. Observed: 2 variant alleles.
Comment: BS1, BP4, BP7

Center for Genomic Medicine, Rigshospitalet, Copenhagen University Hospital
Classification: Likely benign. Last evaluated: 2025-03-04. Review status: criteria provided, single submitter. Criteria: ACMG Guidelines, 2015. Collection method: clinical testing. Allele origin: germline.

Blueprint Genetics
Classification: Likely benign. Last evaluated: 2024-09-13. Review status: criteria provided, single submitter. Criteria: ACMG Guidelines, 2015. Collection method: clinical testing. Allele origin: germline.

ARUP Laboratories, Molecular Genetics and Genomics, ARUP Laboratories
Classification: Likely benign. Last evaluated: 2023-10-25. Review status: criteria provided, single submitter. Criteria: ARUP Molecular Germline Variant Investigation Process 2024. Collection method: clinical testing. Allele origin: germline.

GeneDx
Classification: Likely benign. Last evaluated: 2021-06-14. Review status: criteria provided, single submitter. Criteria: GeneDx Variant Classification Process June 2021. Collection method: clinical testing. Allele origin: germline. Affected: yes.
Comment: This variant is associated with the following publications: (PMID: 25356899)

Sema4
Classification: Likely benign for Hereditary cancer-predisposing syndrome. Last evaluated: 2020-12-03. Review status: criteria provided, single submitter. Criteria: Sema4 Curation Guidelines. Collection method: curation. Allele origin: germline.

Mendelics
Classification: Likely benign for POLD1-related polyposis and colorectal cancer syndrome. Last evaluated: 2019-05-28. Review status: criteria provided, single submitter. Criteria: Mendelics Assertion Criteria 2017. Collection method: clinical testing. Allele origin: unknown.

Eurofins Ntd Llc (ga)
Classification: Uncertain significance. Last evaluated: 2018-03-02. Review status: criteria provided, single submitter. Criteria: EGL ClinVar v180209 classification definitions. Collection method: clinical testing. Allele origin: germline. Observed: 1 variant allele, 1 heterozygote.

Quest Diagnostics Nichols Institute San Juan Capistrano
Classification: Benign. Last evaluated: 2017-08-22. Review status: criteria provided, single submitter. Criteria: Quest Diagnostics criteria. Collection method: clinical testing. Allele origin: unknown.

Women's Health and Genetics/Laboratory Corporation of America, LabCorp
Classification: Benign. Last evaluated: 2017-05-23. Review status: criteria provided, single submitter. Criteria: LabCorp Variant Classification Summary - May 2015. Collection method: clinical testing. Allele origin: germline.
Comment: Variant summary: The POLD1 c.3054G>A (p.Val1018Val) variant involves the alteration of a non-conserved nucleotide causes a synonymous change and 4/5 splice prediction tools predict no significant impact on normal splicing. ESE finder predicts that this variant may alter ESE binding. However, these predictions have yet to be confirmed by functional studies. This variant was found in 89/139890 control chromosomes at a frequency of 0.0006362, which is approximately 45 times the estimated maximal expected allele frequency of a pathogenic POLD1 variant (0.0000142), suggesting this variant is likely a benign polymorphism. In addition, multiple clinical diagnostic laboratories/reputable databases classified this variant as benign/likely benign. Taken together, this variant is classified as Benign.

Genetic Services Laboratory, University of Chicago
Classification: Likely benign. Last evaluated: 2017-05-08. Review status: criteria provided, single submitter. Criteria: ACMG Guidelines, 2015. Collection method: clinical testing. Allele origin: germline. Affected: no.

PreventionGenetics, part of Exact Sciences
Classification: Likely benign. Last evaluated: 2017-04-21. Review status: criteria provided, single submitter. Criteria: ACMG Guidelines, 2015. Collection method: clinical testing. Allele origin: germline.

Ambry Genetics
Classification: Likely benign for Hereditary cancer-predisposing syndrome. Last evaluated: 2015-07-23. Review status: criteria provided, single submitter. Criteria: Ambry Variant Classification Scheme 2023. Collection method: clinical testing. Allele origin: germline.

Clinical Genetics DNA and cytogenetics Diagnostics Lab, Erasmus MC, Erasmus Medical Center
Classification: Likely benign. Review status: no assertion criteria provided. Collection method: clinical testing. Allele origin: germline. Affected: yes. Study: VKGL Data-share Consensus. Not counted in ClinVar's aggregate classification.

Clinical Genetics, Academic Medical Center
Classification: Benign. Review status: no assertion criteria provided. Collection method: clinical testing. Allele origin: germline. Affected: yes. Study: VKGL Data-share Consensus. Not counted in ClinVar's aggregate classification.

Department of Pathology and Laboratory Medicine, Sinai Health System
Classification: Likely benign for Polymerase proofreading-related adenomatous polyposis. Review status: no assertion criteria provided. Collection method: clinical testing. Allele origin: unknown. Affected: yes. Study: The Canadian Open Genetics Repository (COGR). Not counted in ClinVar's aggregate classification.
Comment: The POLD1 p.Val1018= variant was not identified in the literature. The variant was identified in dbSNP (ID: rs369613619) â€šÃ„ÃºWith Likely benign alleleâ€šÃ„Ã¹, and ClinVar (classified with conflicting interpretations of pathogenicity; submitters: benign by Invitae and 2 other laboratories, likely benign by GeneDx, Ambry Genetics, Prevention Genetics and 2 other laboratories, and uncertain significance by EGL Genetic Diagnostics (Eurofins Clinical Genetics)). The variant was identified in control databases in 89 of 162606 chromosomes at a frequency of 0.0005 increasing the likelihood this could be a low frequency benign variant (Genome Aggregation Database Feb 27, 2017). The variant was observed in the following populations: African in 3 of 15192 chromosomes (freq: 0.0002), Other in 2 of 4524 chromosomes (freq: 0.0004), Latino in 17 of 24616 chromosomes (freq: 0.0007), European Non-Finnish in 63 of 64570 chromosomes (freq: 0.001), European Finnish in 4 of 11144 chromosomes (freq: 0.0004), while not observed in the Ashkenazi Jewish, East Asian, and South Asian populations. The p.Val1018= variant is not expected to have clinical significance because it does not result in a change of amino acid and is not located in a known consensus splice site. The variant occurs outside of the splicing consensus sequence and 1 of 4 in silico or computational prediction software programs (SpliceSiteFinder, MaxEntScan, NNSPLICE, GeneSplicer) predict a greater than 10% difference in splicing; this is not very predictive of pathogenicity. In summary, based on the above information the clinical significance of this variant cannot be determined with certainty at this time although we would lean towards a more benign role for this variant. This variant is classified as likely benign.

NM_002691.4(POLD1):c.3054G>A (p.Val1018=)

Gene: POLD1 (DNA polymerase delta 1, catalytic subunit; plus strand). Cytogenetic location: 19q13.33.
Variant type: single nucleotide variant.
Coding change: c.3054G>A on transcript NM_002691.4 (MANE Select); coding-DNA position 3054, G replaced by A.
Protein change: p.Val1018=; no amino-acid change (valine 1018 retained).
Molecular consequence: synonymous variant. On other transcripts: non-coding transcript variant (1).
Genome position (GRCh38, 1-based): chr19:50,416,710, G>A. VCF-style: chr19-50416710-G-A. GRCh37 (hg19) VCF-style: chr19-50919967-G-A.
Other names: p.Val1018=; c.3054G>A, p.Val1018= (NM_001256849.1); c.3132G>A, p.Val1044= (NM_001308632.1).
Identifiers: ClinVar variation 239329 (VCV000239329.81), dbSNP rs369613619, ClinGen allele CA9596734.